The following is an entry in ClinVar:

NM_001654.5(ARAF):c.126C>T (p.Tyr42=)

Gene: ARAF (A-Raf proto-oncogene, serine/threonine kinase; plus strand). Cytogenetic location: Xp11.3.
Variant type: single nucleotide variant.
Coding change: c.126C>T on transcript NM_001654.5 (MANE Select); coding-DNA position 126, C replaced by T.
Protein change: p.Tyr42=; no amino-acid change (tyrosine 42 retained).
Molecular consequence: synonymous variant.
Genome position (GRCh38, 1-based): chrX:47,563,255, C>T. VCF-style: chrX-47563255-C-T. GRCh37 (hg19) VCF-style: chrX-47422654-C-T.
Other names: c.126C>T, p.Tyr42= (NM_001256196.2, NM_001256197.2).
Identifiers: ClinVar variation 2660426 (VCV002660426.24), dbSNP rs755693043, ClinGen allele CA10397941.
Genomic context (GRCh38, chrX:47,563,255, plus strand): 5'-TGAGGACCCCTACATCTGCACATACACACAGGTGACTGTCCGGGATGGCATGAGTGTCTA[C>T]GACTCTCTAGACAAGGCCCTGAAGGTGCGGGGTCTAAATCAGGACTGCTGTGTGGTCTAC-3'
Protein context (NP_001645.1, residues 32-52): VVTVRDGMSV[Tyr42=]DSLDKALKVR

ClinVar aggregate classification (germline): Likely benign (1 of 4 stars; one submission).

Allele frequency attached by ClinVar (database versions not stated): gnomAD exomes 0.00002; ExAC 0.00003.
gnomAD v4.1: 28 of 1,210,510 alleles (0.0023%); highest among the groups gnomAD compares: South Asian, 0.041%; no homozygotes.

Submission:

CeGaT Center for Human Genetics Tuebingen
Classification: Likely benign. Last evaluated: 2023-01-01. Review status: criteria provided, single submitter. Criteria: CeGaT Center For Human Genetics Tuebingen Variant Classification Criteria Version 2. Collection method: clinical testing. Allele origin: germline. Affected: yes. Observed: 1 variant allele.
Comment: ARAF: BP4, BP7